The following is an entry in ClinVar:

NM_199334.5(THRA):c.146A>G (p.Lys49Arg)

Gene: THRA (thyroid hormone receptor alpha; plus strand). Cytogenetic location: 17q21.1.
Variant type: single nucleotide variant.
Coding change: c.146A>G on transcript NM_199334.5 (MANE Select); coding-DNA position 146, A replaced by G.
Protein change: p.Lys49Arg; replaces lysine 49 with arginine.
Molecular consequence: missense variant.
Genome position (GRCh38, 1-based): chr17:40,077,532, A>G. VCF-style: chr17-40077532-A-G. GRCh37 (hg19) VCF-style: chr17-38233785-A-G.
Other names: c.146A>G, p.Lys49Arg (NM_001190918.2, NM_001190919.2, NM_003250.6); short protein forms K49R.
Identifiers: ClinVar variation 1723508 (VCV001723508.2), dbSNP rs2544225863, ClinGen allele CA399265296.

ClinVar aggregate classification (germline): Uncertain significance (1 of 4 stars; one submission).

Allele frequency attached by ClinVar (database versions not stated): gnomAD exomes below 0.00001.
gnomAD v4.1: 2 of 1,614,040 alleles (0.00012%); highest among the groups gnomAD compares: Admixed American, 0.0017%; no homozygotes.

Submission:

GeneDx
Classification: Uncertain significance. Last evaluated: 2022-05-12. Review status: criteria provided, single submitter. Criteria: GeneDx Variant Classification Process June 2021. Collection method: clinical testing. Allele origin: germline. Affected: yes.
Comment: Not observed at significant frequency in large population cohorts (gnomAD); In silico analysis supports that this missense variant does not alter protein structure/function; Has not been previously published as pathogenic or benign to our knowledge